The following is an entry in ClinVar:

ClinVar aggregate classification (germline): Uncertain significance (1 of 4 stars; one submission).

Conditions:
Cardiovascular phenotype. Identifiers: MedGen CN230736.

Submission:

Ambry Genetics
Classification: Uncertain significance for Cardiovascular phenotype. Last evaluated: 2014-02-21. Review status: criteria provided, single submitter. Criteria: Ambry Autosomal Dominant and X-Linked criteria (10/2015). Collection method: clinical testing. Allele origin: germline. Observed: 1 variant allele.
Comment: The p.C1395F variant (also known as c.4184G>T), located in coding exon 32 of the FBN2 gene in the cb EGF-like #19 domain, results from a G to T substitution at nucleotide position 4184. The cysteine at codon 1395 is replaced by phenylalanine, an amino acid with highly dissimilar properties. In one study, 13 of 14 reported FBN2 mutations were found in the middle region of the gene (exons 24-36), and seven of these mutations were noted to alter or produce a cysteine residue (Callewaert BL et al. Hum Mutat. 2009;30(3):334-341). This variant was not reported in population-based cohorts in the following databases: Database of Single Nucleotide Polymorphisms (dbSNP), NHLBI Exome Sequencing Project (ESP), and 1000 Genomes Project. Based on protein sequence alignment, this amino acid position is highly conserved in available vertebrate species. In addition, this alteration is predicted to be deleterious by in silico analysis. Since supporting evidence is limited at this time, the clinical significance of this variant remains unclear.

Literature cited by the submitters: PubMed 19006240.

NM_001999.4(FBN2):c.4184G>T (p.Cys1395Phe)

Gene: FBN2 (fibrillin 2; minus strand). Cytogenetic location: 5q23.3.
Variant type: single nucleotide variant.
Coding change: c.4184G>T on transcript NM_001999.4 (MANE Select); coding-DNA position 4184, G replaced by T.
Protein change: p.Cys1395Phe; replaces cysteine 1395 with phenylalanine.
Molecular consequence: missense variant.
Genome position (GRCh38, 1-based): chr5:128,332,950, C>A on the plus strand (G>T on the coding strand, the complement: FBN2 is on the minus strand). VCF-style: chr5-128332950-C-A. GRCh37 (hg19) VCF-style: chr5-127668642-C-A.
Other names: short protein forms C1395F.
Identifiers: ClinVar variation 263821 (VCV000263821.3), dbSNP rs886038935, ClinGen allele CA10587612.